The following is an entry in ClinVar:

NM_000548.5(TSC2):c.211A>G (p.Lys71Glu)

Gene: TSC2 (TSC complex subunit 2; plus strand). Cytogenetic location: 16p13.3.
Variant type: single nucleotide variant.
Coding change: c.211A>G on transcript NM_000548.5 (MANE Select); coding-DNA position 211, A replaced by G.
Protein change: p.Lys71Glu; replaces lysine 71 with glutamic acid.
Molecular consequence: missense variant. On other transcripts: 5 prime UTR variant (1).
Genome position (GRCh38, 1-based): chr16:2,050,472, A>G. VCF-style: chr16-2050472-A-G. GRCh37 (hg19) VCF-style: chr16-2100473-A-G.
Other names: c.211A>G, p.Lys71Glu (NM_001406663.1, NM_001406664.1, NM_001406665.1 and 13 more transcripts); c.64A>G, p.Lys22Glu (NM_001406675.1, NM_001406676.1, NM_001406677.1 and 2 more transcripts); c.-606A>G (NM_001406680.1, NM_001406683.1, NM_001406687.1); c.-235A>G (NM_001406681.1); c.-16A>G (NM_001406682.1, NM_001406684.1, NM_001406685.1 and 3 more transcripts); c.-1221A>G (NM_001406689.1, NM_001406690.1, NM_001406691.1 and 2 more transcripts); c.-1527A>G (NM_001406693.1); c.-1102A>G (NM_001406694.1, NM_001406695.1); and 3 more; short protein forms K71E, K82E, K22E.
Identifiers: ClinVar variation 1786213 (VCV001786213.3), dbSNP rs2084966690, ClinGen allele CA394303565.

ClinVar aggregate classification (germline): Uncertain significance. Review status: criteria provided, multiple submitters, no conflicts (2 of 4 stars). 2 submissions from 2 submitters: Uncertain significance (2). Last evaluated 2025-03-30.

Conditions:
Hereditary cancer-predisposing syndrome. Also called: Tumor predisposition; Neoplastic Syndromes, Hereditary; Hereditary Cancer Syndrome; Hereditary neoplastic syndrome. Identifiers: Orphanet 140162, MedGen C0027672, MeSH D009386, MONDO:0015356.
Tuberous sclerosis 2 (TSC2). Identifiers: Orphanet 805, MedGen C1860707, MONDO:0013199, OMIM 613254.

Allele frequency attached by ClinVar (database versions not stated): TOPMed below 0.00001.

Submissions (2):

Labcorp Genetics (formerly Invitae), Labcorp
Classification: Uncertain significance for Tuberous sclerosis 2. Last evaluated: 2025-03-30. Review status: criteria provided, single submitter. Criteria: Invitae Variant Classification Sherloc (09022015). Collection method: clinical testing. Allele origin: germline.
Comment: This sequence change replaces lysine, which is basic and polar, with glutamic acid, which is acidic and polar, at codon 71 of the TSC2 protein (p.Lys71Glu). This variant is not present in population databases (gnomAD no frequency). This variant has not been reported in the literature in individuals affected with TSC2-related conditions. ClinVar contains an entry for this variant (Variation ID: 1786213). Invitae Evidence Modeling of protein sequence and biophysical properties (such as structural, functional, and spatial information, amino acid conservation, physicochemical variation, residue mobility, and thermodynamic stability) indicates that this missense variant is not expected to disrupt TSC2 protein function with a negative predictive value of 95%. In summary, the available evidence is currently insufficient to determine the role of this variant in disease. Therefore, it has been classified as a Variant of Uncertain Significance.

Ambry Genetics
Classification: Uncertain significance for Hereditary cancer-predisposing syndrome. Last evaluated: 2021-01-28. Review status: criteria provided, single submitter. Criteria: Ambry Variant Classification Scheme 2023. Collection method: clinical testing. Allele origin: germline.
Comment: The p.K71E variant (also known as c.211A>G), located in coding exon 2 of the TSC2 gene, results from an A to G substitution at nucleotide position 211. The lysine at codon 71 is replaced by glutamic acid, an amino acid with similar properties. This amino acid position is highly conserved in available vertebrate species. In addition, the in silico prediction for this alteration is inconclusive. Since supporting evidence is limited at this time, the clinical significance of this alteration remains unclear.